The following is an entry in ClinVar:

NM_031935.3(HMCN1):c.11153G>T (p.Gly3718Val)

Gene: HMCN1 (hemicentin 1; plus strand). Cytogenetic location: 1q31.1.
Variant type: single nucleotide variant.
Coding change: c.11153G>T on transcript NM_031935.3 (MANE Select); coding-DNA position 11153, G replaced by T.
Protein change: p.Gly3718Val; replaces glycine 3718 with valine.
Molecular consequence: missense variant.
Genome position (GRCh38, 1-based): chr1:186,114,000, G>T. VCF-style: chr1-186114000-G-T. GRCh37 (hg19) VCF-style: chr1-186083132-G-T.
Other names: short protein forms G3718V.
Identifiers: ClinVar variation 2120556 (VCV002120556.4), dbSNP rs140251121, ClinGen allele CA33504028.

ClinVar aggregate classification (germline): Uncertain significance (1 of 4 stars; one submission).

gnomAD v4.1: 7 of 1,613,958 alleles (0.00043%); highest among the groups gnomAD compares: African/African-American, 0.0053%; no homozygotes.

Submission:

Labcorp Genetics (formerly Invitae), Labcorp
Classification: Uncertain significance. Last evaluated: 2024-03-13. Review status: criteria provided, single submitter. Criteria: Invitae Variant Classification Sherloc (09022015). Collection method: clinical testing. Allele origin: germline.
Comment: This sequence change replaces glycine, which is neutral and non-polar, with valine, which is neutral and non-polar, at codon 3718 of the HMCN1 protein (p.Gly3718Val). This variant is present in population databases (no rsID available, gnomAD 0.008%). This variant has not been reported in the literature in individuals affected with HMCN1-related conditions. ClinVar contains an entry for this variant (Variation ID: 2120556). An algorithm developed to predict the effect of missense changes on protein structure and function (PolyPhen-2) suggests that this variant is likely to be disruptive. In summary, the available evidence is currently insufficient to determine the role of this variant in disease. Therefore, it has been classified as a Variant of Uncertain Significance.